The following is an entry in ClinVar:

NC_000001.10:g.(?_76226787)_(76228448_?)del

Gene: ACADM (acyl-CoA dehydrogenase medium chain; plus strand). Cytogenetic location: 1p31.1.
Variant type: Deletion.
Identifiers: ClinVar variation 3247651 (VCV003247651.1).

ClinVar aggregate classification (germline): Pathogenic (1 of 4 stars; one submission).

Conditions:
Medium-chain acyl-coenzyme A dehydrogenase deficiency (ACADMD). Also called: Medium chain acyl-CoA dehydrogenase deficiency; CARNITINE DEFICIENCY SECONDARY TO MEDIUM-CHAIN ACYL-CoA DEHYDROGENASE DEFICIENCY; MCAD Deficiency; MCADH DEFICIENCY; ACADM DEFICIENCY; MCADD. Identifiers: Orphanet 42, MedGen C0220710, MONDO:0008721, OMIM 201450.

Submission:

Labcorp Genetics (formerly Invitae), Labcorp
Classification: Pathogenic for Medium-chain acyl-coenzyme A dehydrogenase deficiency. Last evaluated: 2024-01-09. Review status: criteria provided, single submitter. Criteria: Invitae Variant Classification Sherloc (09022015). Collection method: clinical testing. Allele origin: unknown.
Comment: This variant is a gross deletion of the genomic region encompassing exon(s) 11-12 of the ACADM gene, which includes the termination codon. This deletion extends beyond the assayed region for this gene and therefore may encompass additional genes. While this deletion is not anticipated to lead to nonsense mediated decay, it is expected to alter mRNA translation or result in a truncated protein product. A similar copy number variant has been observed in individual(s) with medium chain acyl-CoA dehydrogenase (PMID: 7633427). It has also been observed to segregate with disease in related individuals. This variant disrupts the p.Lys329, p.Ile416 amino acid residue in ACADM. Other variant(s) that disrupt this residue have been determined to be pathogenic (PMID: 15832312, 16617240, 16737882, 16763904, 20434380, 23028790, 23430840, 26947917). This suggests that this residue is clinically significant, and that variants that disrupt this residue are likely to be disease-causing. For these reasons, this variant has been classified as Pathogenic.

Literature cited by the submitters: PubMed 7633427; PubMed 15832312; PubMed 16617240; PubMed 16737882; PubMed 16763904; PubMed 20434380; PubMed 23028790; PubMed 23430840; PubMed 26947917.